The following is an entry in ClinVar:

NM_177559.3(CSNK2A1):c.24G>A (p.Arg8=)

Gene: CSNK2A1 (casein kinase 2 alpha 1; minus strand). Cytogenetic location: 20p13.
Variant type: single nucleotide variant.
Coding change: c.24G>A on transcript NM_177559.3 (MANE Select); coding-DNA position 24, G replaced by A.
Protein change: p.Arg8=; no amino-acid change (arginine 8 retained).
Molecular consequence: synonymous variant. On other transcripts: intron variant (1).
Genome position (GRCh38, 1-based): chr20:508,528, C>T on the plus strand (G>A on the coding strand, the complement: CSNK2A1 is on the minus strand). VCF-style: chr20-508528-C-T. GRCh37 (hg19) VCF-style: chr20-489172-C-T.
Other names: c.24G>A, p.Arg8= (NM_001362770.2, NM_001362771.2, NM_001895.4); c.-307-3299G>A (NM_177560.3).
Identifiers: ClinVar variation 2652133 (VCV002652133.24), dbSNP rs2514679943, ClinGen allele CA509341022.

ClinVar aggregate classification (germline): Likely benign (1 of 4 stars; one submission).

Submission:

CeGaT Center for Human Genetics Tuebingen
Classification: Likely benign. Last evaluated: 2022-09-01. Review status: criteria provided, single submitter. Criteria: CeGaT Center For Human Genetics Tuebingen Variant Classification Criteria Version 2. Collection method: clinical testing. Allele origin: germline. Affected: yes. Observed: 1 variant allele.
Comment: CSNK2A1: PM2:Supporting, BP4, BP7